The following is an entry in ClinVar:

NM_207122.2(EXT2):c.1079+1G>T

Gene: EXT2 (exostosin glycosyltransferase 2; plus strand). Cytogenetic location: 11p11.2.
Variant type: single nucleotide variant.
Coding change: c.1079+1G>T on transcript NM_207122.2 (MANE Select); the canonical splice donor site of the intron after coding-DNA position 1079, G replaced by T.
Molecular consequence: splice donor variant.
Genome position (GRCh38, 1-based): chr11:44,126,956, G>T. VCF-style: chr11-44126956-G-T. GRCh37 (hg19) VCF-style: chr11-44148506-G-T.
Other names: c.1079+1G>T (NM_001389630.1, NM_001178083.3, NM_001389628.1); c.1178+1G>T (NM_000401.3).
Identifiers: ClinVar variation 854123 (VCV000854123.11), dbSNP rs1369420640, ClinGen allele CA380169419.

ClinVar aggregate classification (germline): Pathogenic. Review status: criteria provided, multiple submitters, no conflicts (2 of 4 stars). 2 submissions from 2 submitters: Pathogenic (2). Last evaluated 2024-02-24.

Conditions:
Exostoses, multiple, type 2 (EXT2). Also called: Hereditary Multiple Osteochondromatosis, Type II; EXOSTOSES, MULTIPLE, TYPE II. Identifiers: Orphanet 321, MedGen C1851413, MONDO:0007586, OMIM 133701.
EXT2-related disorders.

Allele frequency attached by ClinVar (database versions not stated): gnomAD exomes below 0.00001.
gnomAD v4.1: 1 of 1,614,178 alleles (0.000062%); no homozygotes.

Submissions (2):

Labcorp Genetics (formerly Invitae), Labcorp
Classification: Pathogenic for Exostoses, multiple, type 2. Last evaluated: 2024-02-24. Review status: criteria provided, single submitter. Criteria: Invitae Variant Classification Sherloc (09022015). Collection method: clinical testing. Allele origin: germline.
Comment: This sequence change affects a donor splice site in intron 6 of the EXT2 gene. It is expected to disrupt RNA splicing. Variants that disrupt the donor or acceptor splice site typically lead to a loss of protein function (PMID: 16199547), and loss-of-function variants in EXT2 are known to be pathogenic (PMID: 10679937, 19810120). This variant is present in population databases (no rsID available, gnomAD 0.004%). Disruption of this splice site has been observed in individual(s) with hereditary multiple exostoses (PMID: 10671060). ClinVar contains an entry for this variant (Variation ID: 854123). Algorithms developed to predict the effect of sequence changes on RNA splicing suggest that this variant may disrupt the consensus splice site. For these reasons, this variant has been classified as Pathogenic.

Blueprint Genetics
Classification: Pathogenic for EXT2-related disorders. Last evaluated: 2023-01-20. Review status: criteria provided, single submitter. Criteria: ACMG Guidelines, 2015. Collection method: clinical testing. Allele origin: germline. Affected: yes. Observed: 2 variant alleles.

Literature cited by the submitters: PubMed 16199547 (cited by Labcorp Genetics (formerly Invitae), Labcorp); PubMed 10679937 (cited by Labcorp Genetics (formerly Invitae), Labcorp); PubMed 19810120 (cited by Labcorp Genetics (formerly Invitae), Labcorp); PubMed 10671060 (cited by Labcorp Genetics (formerly Invitae), Labcorp).